The following is an entry in ClinVar:

NM_002047.4(GARS1):c.1465C>T (p.Pro489Ser)

Gene: GARS1 (glycyl-tRNA synthetase 1; plus strand). Cytogenetic location: 7p14.3.
Variant type: single nucleotide variant.
Coding change: c.1465C>T on transcript NM_002047.4 (MANE Select); coding-DNA position 1465, C replaced by T.
Protein change: p.Pro489Ser; replaces proline 489 with serine.
Molecular consequence: missense variant.
Genome position (GRCh38, 1-based): chr7:30,621,498, C>T. VCF-style: chr7-30621498-C-T. GRCh37 (hg19) VCF-style: chr7-30661114-C-T.
Other names: c.1303C>T, p.Pro435Ser (NM_001316772.1); short protein forms P435S, P489S.
Identifiers: ClinVar variation 2502456 (VCV002502456.2), dbSNP rs780217118, ClinGen allele CA367128412.
Genomic context (GRCh38, chr7:30,621,498, plus strand): 5'-CTCTCCTGTCATGCACGAGCCACCAAAGTCCCACTTGTAGCTGAGAAACCTCTGAAAGAA[C>T]CCATATCCTTTCTGGTCACTCCAAAAACTCAGGATTCACATGTGAACATCTTGCTAATGA-3'
Protein context (NP_002038.2, residues 479-499): PLVAEKPLKE[Pro489Ser]KTVNVVQFEP

ClinVar aggregate classification (germline): Uncertain significance. Review status: criteria provided, multiple submitters, no conflicts (2 of 4 stars). 2 submissions from 2 submitters: Uncertain significance (2). Last evaluated 2025-07-12.

Submissions (2):

Ambry Genetics
Classification: Uncertain significance. Last evaluated: 2025-07-12. Review status: criteria provided, single submitter. Criteria: Ambry Variant Classification Scheme 2023. Collection method: clinical testing. Allele origin: germline.

GeneDx
Classification: Uncertain significance. Last evaluated: 2022-11-22. Review status: criteria provided, single submitter. Criteria: GeneDx Variant Classification Process June 2021. Collection method: clinical testing. Allele origin: germline. Affected: yes.
Comment: Not observed at significant frequency in large population cohorts (gnomAD); In silico analysis supports that this missense variant has a deleterious effect on protein structure/function; Has not been previously published as pathogenic or benign to our knowledge; This variant is associated with the following publications: (PMID: 26503042, 26138142, 25168514)